The following is an entry in ClinVar:

NM_014314.4(RIGI):c.2666T>A (p.Ile889Asn)

Gene: RIGI (RNA sensor RIG-I; minus strand). Cytogenetic location: 9p21.1.
Variant type: single nucleotide variant.
Coding change: c.2666T>A on transcript NM_014314.4 (MANE Select); coding-DNA position 2666, T replaced by A.
Protein change: p.Ile889Asn; replaces isoleucine 889 with asparagine.
Molecular consequence: missense variant.
Genome position (GRCh38, 1-based): chr9:32,457,234, A>T on the plus strand (T>A on the coding strand, the complement: RIGI is on the minus strand). VCF-style: chr9-32457234-A-T. GRCh37 (hg19) VCF-style: chr9-32457232-A-T.
Other names: c.2666T>A (NM_014314.3); c.2660T>A, p.Ile887Asn (NM_001385907.1); c.2495T>A, p.Ile832Asn (NM_001385909.1); c.2225T>A, p.Ile742Asn (NM_001385910.1); c.2057T>A, p.Ile686Asn (NM_001385912.1); c.2651T>A, p.Ile884Asn (NM_001385913.1); c.2222T>A, p.Ile741Asn (NM_001385914.1); short protein forms I741N, I832N, I884N, I887N, I889N, I686N, I742N.
Identifiers: ClinVar variation 2721511 (VCV002721511.4), dbSNP rs191688102, ClinGen allele CA5019438.

ClinVar aggregate classification (germline): Uncertain significance. Review status: criteria provided, multiple submitters, no conflicts (2 of 4 stars). 2 submissions from 2 submitters: Uncertain significance (2). Last evaluated 2025-03-27.

Conditions:
Inborn genetic diseases. Identifiers: MedGen C0950123, MeSH D030342.

gnomAD v4.1: 9 of 1,613,986 alleles (0.00056%); highest among the groups gnomAD compares: Admixed American, 0.013%; no homozygotes.

Submissions (2):

Ambry Genetics
Classification: Uncertain significance for Inborn genetic diseases. Last evaluated: 2025-03-27. Review status: criteria provided, single submitter. Criteria: Ambry Variant Classification Scheme 2023. Collection method: clinical testing. Allele origin: germline.

Labcorp Genetics (formerly Invitae), Labcorp
Classification: Uncertain significance. Last evaluated: 2024-10-10. Review status: criteria provided, single submitter. Criteria: Invitae Variant Classification Sherloc (09022015). Collection method: clinical testing. Allele origin: germline.
Comment: This sequence change replaces isoleucine, which is neutral and non-polar, with asparagine, which is neutral and polar, at codon 889 of the DDX58 protein (p.Ile889Asn). This variant is present in population databases (rs191688102, gnomAD 0.02%). This variant has not been reported in the literature in individuals affected with DDX58-related conditions. Invitae Evidence Modeling of protein sequence and biophysical properties (such as structural, functional, and spatial information, amino acid conservation, physicochemical variation, residue mobility, and thermodynamic stability) indicates that this missense variant is expected to disrupt DDX58 protein function with a positive predictive value of 80%. In summary, the available evidence is currently insufficient to determine the role of this variant in disease. Therefore, it has been classified as a Variant of Uncertain Significance.